The following is an entry in ClinVar:

NM_001367624.2(ZNF469):c.3350G>C (p.Arg1117Pro)

Gene: ZNF469 (zinc finger protein 469; plus strand). Cytogenetic location: 16q24.2.
Variant type: single nucleotide variant.
Coding change: c.3350G>C on transcript NM_001367624.2 (MANE Select); coding-DNA position 3350, G replaced by C.
Protein change: p.Arg1117Pro; replaces arginine 1117 with proline.
Molecular consequence: missense variant.
Genome position (GRCh38, 1-based): chr16:88,430,820, G>C. VCF-style: chr16-88430820-G-C. GRCh37 (hg19) VCF-style: chr16-88497228-G-C.
Other names: NM_001127464.1:c.3266G>C; short protein forms R1117P.
Identifiers: ClinVar variation 3258312 (VCV003258312.2).

ClinVar aggregate classification (germline): Uncertain significance. Review status: criteria provided, multiple submitters, no conflicts (2 of 4 stars). 2 submissions from 2 submitters: Uncertain significance (2). Last evaluated 2024-10-28.

Conditions:
Cardiovascular phenotype. Identifiers: MedGen CN230736.

gnomAD v4.1: 1 of 1,532,988 alleles (0.000065%); highest among the groups gnomAD compares: Non-Finnish European, 0.000087%; no homozygotes.

Submissions (2):

GeneDx
Classification: Uncertain significance. Last evaluated: 2024-10-28. Review status: criteria provided, single submitter. Criteria: GeneDx Variant Classification Process June 2021. Collection method: clinical testing. Allele origin: germline. Affected: yes.
Comment: Has not been previously published as pathogenic or benign to our knowledge; Not observed at significant frequency in large population cohorts (gnomAD); In silico analysis indicates that this missense variant does not alter protein structure/function

Ambry Genetics
Classification: Uncertain significance for Cardiovascular phenotype. Last evaluated: 2024-05-28. Review status: criteria provided, single submitter. Criteria: Ambry Variant Classification Scheme 2023. Collection method: clinical testing. Allele origin: germline.